The following is an entry in ClinVar:

ClinVar aggregate classification (germline): Benign (1 of 4 stars; one submission).

Conditions:
Lynch syndrome 5 (LYNCH5). Also called: Colorectal cancer, hereditary nonpolyposis, type 5; Hereditary non-polyposis colorectal cancer, type 5. Identifiers: Orphanet 144, MedGen C1833477, MONDO:0013710, OMIM 614350. Disease mechanism: loss of function.

Submission:

Myriad Genetics, Inc.
Classification: Benign for Lynch syndrome 5. Last evaluated: 2024-12-31. Review status: criteria provided, single submitter. Criteria: Myriad Autosomal Dominant, Autosomal Recessive and X-Linked Classification Criteria (2023). Collection method: clinical testing. Allele origin: unknown.
Comment: This variant is considered benign. This variant is a silent/synonymous amino acid change and it is not expected to impact splicing.

NM_000179.3(MSH6):c.2565T>C (p.Ile855=)

Gene: MSH6 (mutS homolog 6; plus strand). Cytogenetic location: 2p16.3.
Variant type: single nucleotide variant.
Coding change: c.2565T>C on transcript NM_000179.3 (MANE Select); coding-DNA position 2565, T replaced by C.
Protein change: p.Ile855=; no amino-acid change (isoleucine 855 retained).
Molecular consequence: synonymous variant. On other transcripts: non-coding transcript variant (5), intron variant (3).
Genome position (GRCh38, 1-based): chr2:47,800,548, T>C. VCF-style: chr2-47800548-T-C. GRCh37 (hg19) VCF-style: chr2-48027687-T-C.
Other names: c.2175T>C, p.Ile725= (NM_001281492.2); c.1659T>C, p.Ile553= (NM_001281493.2, NM_001281494.2, NM_001406811.1 and 6 more transcripts); c.2661T>C, p.Ile887= (NM_001406795.1, NM_001406802.1); c.2565T>C, p.Ile855= (NM_001406796.1, NM_001406798.1, NM_001406800.1 and 2 more transcripts); c.2268T>C, p.Ile756= (NM_001406797.1, NM_001406801.1, NM_001406805.1 and 10 more transcripts); c.2040T>C, p.Ile680= (NM_001406799.1, NM_001406806.1, NM_001406807.1); c.2487T>C, p.Ile829= (NM_001406804.1); c.2571T>C, p.Ile857= (NM_001406813.1); and 4 more.
Identifiers: ClinVar variation 3903889 (VCV003903889.1).
Genomic context (GRCh38, chr2:47,800,548, plus strand): 5'-GAACCACCCAGACAGCAGGGCTATAATGTATGAAGAAACTACATACAGCAAGAAGAAGAT[T>C]ATTGATTTTCTTTCTGCTCTGGAAGGATTCAAAGTAATGTGTAAAATTATAGGGATCATG-3'
Protein context (NP_000170.1, residues 845-865): YEETTYSKKK[Ile855=]IDFLSALEGF